The following is an entry in ClinVar:

ClinVar aggregate classification (germline): Uncertain significance (1 of 4 stars; one submission).

Conditions:
Abnormal spermatogenesis. Identifiers: MedGen C0520933, HP:0008669.

Submission:

Institute of Reproductive and Stem Cell Engineering, Central South University
Classification: Uncertain significance for Abnormal spermatogenesis. Last evaluated: 2019-11-01. Review status: criteria provided, single submitter. Criteria: Tu et al. (Sci Rep. 2019). Collection method: research. Allele origin: germline. Inheritance: Autosomal recessive inheritance. Affected: yes. Observed: 2 variant alleles, 2 compound heterozygotes. Clinical features observed: multiple morphological abnormalities of the sperm fagella.
Comment: Papanicolaou staining and transmission electron microscopy analysis revealed morphological and ultrastructural abnormalities in the sperm fagella in carriers of these genetic variants. Immunostaining experiments showed that DNAH6 was localized in the sperm tail.

NM_001370.2(DNAH6):c.6582C>A (p.Asp2194Glu)

Gene: DNAH6 (dynein axonemal heavy chain 6; plus strand). Cytogenetic location: 2p11.2.
Variant type: single nucleotide variant.
Coding change: c.6582C>A on transcript NM_001370.2 (MANE Select); coding-DNA position 6582, C replaced by A.
Protein change: p.Asp2194Glu; replaces aspartic acid 2194 with glutamic acid.
Molecular consequence: missense variant.
Genome position (GRCh38, 1-based): chr2:84,672,454, C>A. VCF-style: chr2-84672454-C-A. GRCh37 (hg19) VCF-style: chr2-84899578-C-A.
Other names: short protein forms D2194E.
Identifiers: ClinVar variation 917480 (VCV000917480.3), dbSNP rs1692826738, ClinGen allele CA347518160.